The following is an entry in ClinVar:

ClinVar aggregate classification (germline): Uncertain significance. Review status: criteria provided, multiple submitters, no conflicts (2 of 4 stars). 3 submissions from 3 submitters: Uncertain significance (2). 1 of the submissions does not count toward it. Last evaluated 2025-10-01.

Conditions:
Inborn genetic diseases. Identifiers: MedGen C0950123, MeSH D030342.
OPTN-related disorder. Also called: OPTN-related disorders; OPTN-related condition.
Primary open angle glaucoma (POAG). Also called: OPTN-related open angle glaucoma. Identifiers: MedGen C0339573, MONDO:0100553, OMIM 137760.
Glaucoma 1, open angle, E. Identifiers: MedGen C1842026, MONDO:0007665.
Amyotrophic lateral sclerosis type 12 (ALS12). Also called: AMYOTROPHIC LATERAL SCLEROSIS 12 WITH OR WITHOUT FRONTOTEMPORAL DEMENTIA. Identifiers: Orphanet 803, MedGen C3150692, MONDO:0013264, OMIM 613435.

Allele frequency attached by ClinVar (database versions not stated): gnomAD exomes 0.00008; ExAC 0.00013; 1000 Genomes Project 30x 0.00016; 1000 Genomes Project 0.00020; TOPMed 0.00027; gnomAD 0.00030 and 0.00034; ESP Exome Variant Server 0.00046.
gnomAD v4.1: 75 of 1,614,138 alleles (0.0046%); highest among the groups gnomAD compares: African/African-American, 0.095%; no homozygotes.

Submissions (3):

Labcorp Genetics (formerly Invitae), Labcorp
Classification: Uncertain significance for Primary open angle glaucoma; Glaucoma 1, open angle, E; Amyotrophic lateral sclerosis type 12. Last evaluated: 2025-10-01. Review status: criteria provided, single submitter. Criteria: Invitae Variant Classification Sherloc (09022015). Collection method: clinical testing. Allele origin: germline.
Comment: This sequence change replaces alanine, which is neutral and non-polar, with serine, which is neutral and polar, at codon 466 of the OPTN protein (p.Ala466Ser). This variant is present in population databases (rs144466778, gnomAD 0.1%). This variant has not been reported in the literature in individuals affected with OPTN-related conditions. ClinVar contains an entry for this variant (Variation ID: 1468951). Invitae Evidence Modeling of protein sequence and biophysical properties (such as structural, functional, and spatial information, amino acid conservation, physicochemical variation, residue mobility, and thermodynamic stability) indicates that this missense variant is expected to disrupt OPTN protein function with a positive predictive value of 80%. In summary, the available evidence is currently insufficient to determine the role of this variant in disease. Therefore, it has been classified as a Variant of Uncertain Significance.

Ambry Genetics
Classification: Uncertain significance for Inborn genetic diseases. Last evaluated: 2023-01-23. Review status: criteria provided, single submitter. Criteria: Ambry Variant Classification Scheme 2023. Collection method: clinical testing. Allele origin: germline.
Comment: Unlikely to be causative of OPTN-related amyotrophic lateral sclerosis (AD) Based on insufficient or conflicting evidence, the clinical significance of this alteration remains unclear.

PreventionGenetics, part of Exact Sciences
Classification: Uncertain significance for OPTN-related condition. Last evaluated: 2024-09-26. Review status: no assertion criteria provided. Collection method: clinical testing. Allele origin: germline. Not counted in ClinVar's aggregate classification.
Comment: The OPTN c.1396G>T variant is predicted to result in the amino acid substitution p.Ala466Ser. To our knowledge, this variant has not been reported in the literature. This variant is reported in 0.12% of alleles in individuals of African descent in gnomAD. Although we suspect that this variant may be benign, at this time, the clinical significance of this variant is uncertain due to the absence of conclusive functional and genetic evidence.

NM_001008212.2(OPTN):c.1396G>T (p.Ala466Ser)

Gene: OPTN (optineurin; plus strand). Cytogenetic location: 10p13.
Variant type: single nucleotide variant.
Coding change: c.1396G>T on transcript NM_001008212.2 (MANE Select); coding-DNA position 1396, G replaced by T.
Protein change: p.Ala466Ser; replaces alanine 466 with serine.
Molecular consequence: missense variant.
Genome position (GRCh38, 1-based): chr10:13,127,898, G>T. VCF-style: chr10-13127898-G-T. GRCh37 (hg19) VCF-style: chr10-13169898-G-T.
Other names: c.1396G>T, p.Ala466Ser (NM_001008211.1, NM_001008213.1, NM_021980.4); short protein forms A466S.
Identifiers: ClinVar variation 1468951 (VCV001468951.9), dbSNP rs144466778, ClinGen allele CA5410942.